The following is an entry in ClinVar:

NM_001374736.1(DST):c.13367C>T (p.Ala4456Val)

Gene: DST (dystonin; minus strand). Cytogenetic location: 6p12.1.
Variant type: single nucleotide variant.
Coding change: c.13367C>T on transcript NM_001374736.1 (MANE Select); coding-DNA position 13367, C replaced by T.
Protein change: p.Ala4456Val; replaces alanine 4456 with valine.
Molecular consequence: missense variant.
Genome position (GRCh38, 1-based): chr6:56,572,934, G>A on the plus strand (C>T on the coding strand, the complement: DST is on the minus strand). VCF-style: chr6-56572934-G-A. GRCh37 (hg19) VCF-style: chr6-56437732-G-A.
Other names: c.7010C>T, p.Ala2337Val (NM_001144769.5); c.6596C>T, p.Ala2199Val (NM_001144770.2); c.13367C>T, p.Ala4456Val (NM_001374722.1); c.12734C>T, p.Ala4245Val (NM_001374729.1); c.6476C>T, p.Ala2159Val (NM_001374730.1, NM_001386100.1, NM_183380.4); c.13394C>T, p.Ala4465Val (NM_001374734.1); c.5498C>T, p.Ala1833Val (NM_015548.5); short protein forms A2337V, A2159V, A2199V, A4245V, A4465V, A1833V, A4456V.
Identifiers: ClinVar variation 2107647 (VCV002107647.4), dbSNP rs2152614284, ClinGen allele CA364527474.

ClinVar aggregate classification (germline): Uncertain significance (1 of 4 stars; one submission).

Conditions:
Epidermolysis bullosa simplex 3, localized or generalized intermediate, with BP230 deficiency (EBS3). Also called: Epidermolysis bullosa simplex due to BP230 deficiency; Epidermolysis bullosa simplex, autosomal recessive 2. Identifiers: Orphanet 412181, MedGen C3809470, MONDO:0014180, OMIM 615425.
Hereditary sensory and autonomic neuropathy type 6. Also called: Neuropathy, hereditary sensory and autonomic, type VI; HSAN VI. Identifiers: Orphanet 314381, MedGen C3539003, MONDO:0013839, OMIM 614653.

Submission:

Labcorp Genetics (formerly Invitae), Labcorp
Classification: Uncertain significance for Epidermolysis bullosa simplex 3, localized or generalized intermediate, with BP230 deficiency; Hereditary sensory and autonomic neuropathy type 6. Last evaluated: 2022-03-08. Review status: criteria provided, single submitter. Criteria: Invitae Variant Classification Sherloc (09022015). Collection method: clinical testing. Allele origin: germline.
Comment: This sequence change replaces alanine, which is neutral and non-polar, with valine, which is neutral and non-polar, at codon 1833 of the DST protein (p.Ala1833Val). In summary, the available evidence is currently insufficient to determine the role of this variant in disease. Therefore, it has been classified as a Variant of Uncertain Significance. Experimental studies and prediction algorithms are not available or were not evaluated, and the functional significance of this variant is currently unknown. This variant has not been reported in the literature in individuals affected with DST-related conditions. This variant is not present in population databases (gnomAD no frequency). The DST gene has multiple clinically relevant transcripts. This variant occurs in alternate transcript NM_015548.4, and corresponds to NM_001723.5:c.*42583C>T in the primary transcript.